The following is an entry in ClinVar:

ClinVar aggregate classification (germline): Conflicting classifications of pathogenicity. Review status: criteria provided, conflicting classifications (1 of 4 stars). 2 submissions from 2 submitters: Likely pathogenic (1); Uncertain significance (1). Last evaluated 2025-10-21.

gnomAD v4.1: 1 of 1,206,500 alleles (0.000083%); highest among the groups gnomAD compares: African/African-American, 0.0017%; no homozygotes.

Submissions (2):

Women's Health and Genetics/Laboratory Corporation of America, LabCorp
Classification: Uncertain significance. Last evaluated: 2025-10-21. Review status: criteria provided, single submitter. Criteria: LabCorp Variant Classification Summary - May 2015. Collection method: clinical testing. Allele origin: germline.
Comment: Variant summary: PLP1 c.742G>T (p.Ala248Ser) results in a conservative amino acid change in the encoded protein sequence. Algorithms developed to predict the effect of missense changes on protein structure and function are either unavailable or do not agree on the potential impact of this missense change. The variant was absent in 183294 control chromosomes. The available data on variant occurrences in the general population are insufficient to allow any conclusion about variant significance. c.742G>T has been observed arising de novo in one individual affected with features of Pelizaeus-Merzbacher disease (Ji_2018). These data do not allow any conclusion about variant significance. To our knowledge, no experimental evidence demonstrating an impact on protein function has been reported. The following publication has been ascertained in the context of this evaluation (PMID: 29451896). ClinVar contains an entry for this variant (Variation ID: 3777336). Based on the evidence outlined above, the variant was classified as VUS-possibly pathogenic.

GeneDx
Classification: Likely pathogenic. Last evaluated: 2024-10-14. Review status: criteria provided, single submitter. Criteria: GeneDx Variant Classification Process June 2021. Collection method: clinical testing. Allele origin: germline. Affected: yes.
Comment: Missense variants in this gene are a common cause of disease and they are underrepresented in the general population; Not observed at significant frequency in large population cohorts (gnomAD); In silico analysis indicates that this missense variant does not alter protein structure/function; Has not been previously published as pathogenic or benign to our knowledge; This variant is associated with the following publications: (PMID: 29451896)

Literature cited by the submitters: PubMed 29451896 (cited by Women's Health and Genetics/Laboratory Corporation of America, LabCorp).

NM_000533.5(PLP1):c.742G>T (p.Ala248Ser)

Genes: PLP1 (proteolipid protein 1; plus strand), RAB9B (RAB9B, member RAS oncogene family; minus strand). Cytogenetic location: Xq22.2.
Variant type: single nucleotide variant.
Coding change: c.742G>T on transcript NM_000533.5 (MANE Select); coding-DNA position 742, G replaced by T.
Protein change: p.Ala248Ser; replaces alanine 248 with serine.
Molecular consequence: missense variant.
Genome position (GRCh38, 1-based): chrX:103,789,378, G>T. VCF-style: chrX-103789378-G-T. GRCh37 (hg19) VCF-style: chrX-103044307-G-T.
Other names: c.742G>T, p.Ala248Ser (NM_001128834.3); c.577G>T, p.Ala193Ser (NM_001305004.1); c.637G>T, p.Ala213Ser (NM_199478.3); short protein forms A193S, A213S, A248S.
Identifiers: ClinVar variation 3777336 (VCV003777336.2).